The following is an entry in ClinVar:

ClinVar aggregate classification (germline): Benign/Likely benign. Review status: criteria provided, multiple submitters, no conflicts (2 of 4 stars). 10 submissions from 10 submitters: Benign (2); Likely benign (7). 1 of the submissions does not count toward it. Last evaluated 2026-09-14.

Conditions:
ASXL1-related disorder. Also called: ASXL1-related disorders; ASXL1-related condition.
Inborn genetic diseases. Identifiers: MedGen C0950123, MeSH D030342.
Bohring-Opitz syndrome. Also called: OPITZ TRIGONOCEPHALY-LIKE SYNDROME; ASXL1-Related Bohring-Opitz Syndrome; C-LIKE SYNDROME; BOHRING SYNDROME. Identifiers: Orphanet 97297, MedGen C0796232, MONDO:0011510, OMIM 605039.

Allele frequency attached by ClinVar (database versions not stated): gnomAD exomes 0.00011 and 0.00021; ExAC 0.00018; ESP Exome Variant Server 0.00031; gnomAD 0.00055 and 0.00060; TOPMed 0.00063; 1000 Genomes Project 0.00140; 1000 Genomes Project 30x 0.00141.
gnomAD v4.1: 267 of 1,614,208 alleles (0.017%); highest among the groups gnomAD compares: African/African-American, 0.2%; 1 homozygote.

Submissions (10):

Ambry Genetics
Classification: Likely benign for Inborn genetic diseases. Last evaluated: 2026-09-14. Review status: criteria provided, single submitter. Criteria: Ambry Variant Classification Scheme 2023. Collection method: clinical testing. Allele origin: germline.

Women's Health and Genetics/Laboratory Corporation of America, LabCorp
Classification: Likely benign. Last evaluated: 2026-04-27. Review status: criteria provided, single submitter. Criteria: LabCorp Variant Classification Summary - May 2015. Collection method: clinical testing. Allele origin: germline.
Comment: Variant summary: ASXL1 c.3889G>A (p.Val1297Ile) results in a conservative amino acid change in the encoded protein sequence. Algorithms developed to predict the effect of missense changes on protein structure and function all suggest that this variant is likely to be tolerated. The variant allele was found at a frequency of 0.00021 in 251482 control chromosomes, predominantly at a frequency of 0.0015 within the African or African-American subpopulation in the gnomAD database. The observed variant frequency within African or African-American control individuals in the gnomAD database exceeds the estimated maximal expected allele frequency for disease-causing variants in ASXL1. To our knowledge, no occurrence of c.3889G>A in individuals affected with ASXL1-related conditions and no experimental evidence demonstrating its impact on protein function have been reported. ClinVar contains an entry for this variant (Variation ID: 133597). Based on the evidence outlined above, the variant was classified as likely benign.

Labcorp Genetics (formerly Invitae), Labcorp
Classification: Likely benign. Last evaluated: 2025-06-17. Review status: criteria provided, single submitter. Criteria: Invitae Variant Classification Sherloc (09022015). Collection method: clinical testing. Allele origin: germline.

CeGaT Center for Human Genetics Tuebingen
Classification: Likely benign. Last evaluated: 2025-05-01. Review status: criteria provided, single submitter. Criteria: CeGaT Center For Human Genetics Tuebingen Variant Classification Criteria Version 2. Collection method: clinical testing. Allele origin: germline. Affected: yes. Observed: 1 variant allele.
Comment: ASXL1: BP4, BS2

PreventionGenetics, part of Exact Sciences
Classification: Likely benign for ASXL1-related condition. Last evaluated: 2024-10-11. Review status: criteria provided, single submitter. Criteria: ACMG Guidelines, 2015. Collection method: clinical testing. Allele origin: germline.
Comment: This variant is classified as likely benign based on ACMG/AMP sequence variant interpretation guidelines (Richards et al. 2015 PMID: 25741868, with internal and published modifications).

Blueprint Genetics
Classification: Likely benign. Last evaluated: 2023-09-30. Review status: criteria provided, single submitter. Criteria: ACMG Guidelines, 2015. Collection method: clinical testing. Allele origin: germline.

Genome-Nilou Lab
Classification: Benign for Bohring-Opitz syndrome. Last evaluated: 2021-12-05. Review status: criteria provided, single submitter. Criteria: ACMG Guidelines, 2015. Collection method: clinical testing. Allele origin: germline. Affected: no.

GeneDx
Classification: Benign. Last evaluated: 2019-10-11. Review status: criteria provided, single submitter. Criteria: GeneDx Variant Classification Process June 2021. Collection method: clinical testing. Allele origin: germline. Affected: yes.

Breakthrough Genomics
Classification: Likely benign. Review status: criteria provided, single submitter. Criteria: ACMG Guidelines, 2015. Collection method: not provided. Allele origin: germline. Inheritance: Autosomal dominant inheritance. Affected: yes.

ITMI
No classification provided. Condition: AllHighlyPenetrant. Last evaluated: 2013-09-19. Review status: no classification provided. Collection method: reference population. Allele origin: germline. Not counted in ClinVar's aggregate classification.
Comment: Please see associated publication for description of ethnicities

Literature cited by the submitters: PubMed 22489043 (cited by Women's Health and Genetics/Laboratory Corporation of America, LabCorp); PubMed 24442206 (cited by Women's Health and Genetics/Laboratory Corporation of America, LabCorp); PubMed 24458439 (cited by Women's Health and Genetics/Laboratory Corporation of America, LabCorp); PubMed 25652455 (cited by Women's Health and Genetics/Laboratory Corporation of America, LabCorp); PubMed 24695057 (cited by Women's Health and Genetics/Laboratory Corporation of America, LabCorp); PubMed 23018865 (cited by Women's Health and Genetics/Laboratory Corporation of America, LabCorp); PubMed 21881046 (cited by Women's Health and Genetics/Laboratory Corporation of America, LabCorp); PubMed 23619563 (cited by Women's Health and Genetics/Laboratory Corporation of America, LabCorp); PubMed 20880116 (cited by Women's Health and Genetics/Laboratory Corporation of America, LabCorp); PubMed 23690417 (cited by Women's Health and Genetics/Laboratory Corporation of America, LabCorp); PubMed 22031865 (cited by Women's Health and Genetics/Laboratory Corporation of America, LabCorp); PubMed 25596267 (cited by Women's Health and Genetics/Laboratory Corporation of America, LabCorp); PubMed 22058207 (cited by Women's Health and Genetics/Laboratory Corporation of America, LabCorp); PubMed 24496303 (cited by Women's Health and Genetics/Laboratory Corporation of America, LabCorp); PubMed 21576631 (cited by Women's Health and Genetics/Laboratory Corporation of America, LabCorp); PubMed 27895058 (cited by Women's Health and Genetics/Laboratory Corporation of America, LabCorp); PubMed 27276561 (cited by Women's Health and Genetics/Laboratory Corporation of America, LabCorp); PubMed 27069254 (cited by Women's Health and Genetics/Laboratory Corporation of America, LabCorp); PubMed 24728327 (cited by ITMI).

NM_015338.6(ASXL1):c.3889G>A (p.Val1297Ile)

Gene: ASXL1 (ASXL transcriptional regulator 1; plus strand). Cytogenetic location: 20q11.21.
Variant type: single nucleotide variant.
Coding change: c.3889G>A on transcript NM_015338.6 (MANE Select); coding-DNA position 3889, G replaced by A.
Protein change: p.Val1297Ile; replaces valine 1297 with isoleucine.
Molecular consequence: missense variant.
Genome position (GRCh38, 1-based): chr20:32,436,601, G>A. VCF-style: chr20-32436601-G-A. GRCh37 (hg19) VCF-style: chr20-31024404-G-A.
Other names: c.3706G>A, p.Val1236Ile (NM_001363734.1); short protein forms V1297I, V1236I.
Identifiers: ClinVar variation 133597 (VCV000133597.28), dbSNP rs140137262, ClinGen allele CA157044.